The following is an entry in ClinVar:

ClinVar aggregate classification (germline): Uncertain significance. Review status: criteria provided, multiple submitters, no conflicts (2 of 4 stars). 2 submissions from 2 submitters: Uncertain significance (2). Last evaluated 2023-07-01.

Conditions:
Townes-Brocks syndrome 1 (TBS1). Also called: DEAFNESS, SENSORINEURAL, WITH IMPERFORATE ANUS AND THUMB ANOMALIES; REAR SYNDROME; RENAL-EAR-ANAL-RADIAL SYNDROME; SALL1-Related Townes-Brocks Syndrome. Identifiers: Orphanet 857, MedGen C4551481, MONDO:0054581, OMIM 107480.

Submissions (2):

Foundation for Research in Genetics and Endocrinology, FRIGE's Institute of Human Genetics
Classification: Uncertain significance for Townes-Brocks syndrome 1. Last evaluated: 2023-07-01. Review status: criteria provided, single submitter. Criteria: ACMG Guidelines, 2015. Collection method: clinical testing. Allele origin: germline. Inheritance: Autosomal dominant inheritance. Affected: yes. Observed: 1 heterozygote.
Comment: A heterozygous missense variant in exon 2 of the SALL1 gene that results in the amino acid substitution of Arginine for Lysine at codon 592 (p.Lys592Arg) was detected. This variant has not been reported in the 1000 genomes, gnomAD (v3.1), gnomdAD (v2) and topmed databases. The in silico prediction of the variant is damaging by LRT. The reference codon is conserved across species. In summary, the variant meets our criteria to be classified as a variant of uncertain significance.

Department of Clinical Genetics, Copenhagen University Hospital, Rigshospitalet
Classification: Uncertain significance for Townes-Brocks syndrome 1. Last evaluated: 2021-08-01. Review status: criteria provided, single submitter. Criteria: ACMG Guidelines, 2015. Collection method: clinical testing. Allele origin: unknown. Affected: yes.

NM_002968.3(SALL1):c.1775A>G (p.Lys592Arg)

Gene: SALL1 (spalt like transcription factor 1; minus strand). Cytogenetic location: 16q12.1.
Variant type: single nucleotide variant.
Coding change: c.1775A>G on transcript NM_002968.3 (MANE Select); coding-DNA position 1775, A replaced by G.
Protein change: p.Lys592Arg; replaces lysine 592 with arginine.
Molecular consequence: missense variant.
Genome position (GRCh38, 1-based): chr16:51,140,447, T>C on the plus strand (A>G on the coding strand, the complement: SALL1 is on the minus strand). VCF-style: chr16-51140447-T-C. GRCh37 (hg19) VCF-style: chr16-51174358-T-C.
Other names: p.Lys592Arg; c.1484A>G, p.Lys495Arg (NM_001127892.2); short protein forms K495R, K592R.
Identifiers: ClinVar variation 1679300 (VCV001679300.5), dbSNP rs2143444520, ClinGen allele CA395887454.